The following is an entry in ClinVar:

ClinVar aggregate classification (germline): Pathogenic (1 of 4 stars; one submission).

Conditions:
Fanconi anemia (FA). Also called: Fanconi's anemia. Identifiers: Orphanet 84, MedGen C0015625, MeSH D005199, MONDO:0019391.

Submission:

Labcorp Genetics (formerly Invitae), Labcorp
Classification: Pathogenic for Fanconi anemia. Last evaluated: 2022-06-25. Review status: criteria provided, single submitter. Criteria: Invitae Variant Classification Sherloc (09022015). Collection method: clinical testing. Allele origin: germline.
Comment: For these reasons, this variant has been classified as Pathogenic. This variant has not been reported in the literature in individuals affected with FANCA-related conditions. This variant is not present in population databases (gnomAD no frequency). This sequence change creates a premature translational stop signal (p.Phe583Serfs*22) in the FANCA gene. It is expected to result in an absent or disrupted protein product. Loss-of-function variants in FANCA are known to be pathogenic (PMID: 19367192).

Literature cited by the submitters: PubMed 19367192.

NM_000135.4(FANCA):c.1748del (p.Phe583fs)

Gene: FANCA (FA complementation group A; minus strand). Cytogenetic location: 16q24.3.
Variant type: Deletion.
Coding change: c.1748del on transcript NM_000135.4 (MANE Select); coding-DNA position 1748, one base deleted (T; older notation c.1748delT).
Protein change: p.Phe583fs; shifts the reading frame from phenylalanine 583.
Molecular consequence: frameshift variant.
Genome position (GRCh38, 1-based): chr16:89,778,971, A deleted on the plus strand (T on the coding strand, the reverse complement: FANCA is on the minus strand); the first of 2 consecutive A bases (chr16:89,778,971-89,778,972); deleting either gives the same sequence. VCF-style (leftmost placement, unchanged base first): chr16-89778970-GA-G. GRCh37 (hg19) VCF-style: chr16-89845378-GA-G.
Other names: c.1748del, p.Phe583fs (NM_001286167.3); short protein forms F583fs.
Identifiers: ClinVar variation 2010602 (VCV002010602.4), dbSNP rs2544227312, ClinGen allele CA2580092328.
Genomic context (GRCh38, chr16:89,778,970, plus strand): 5'-ACTGGTCACAAACTCATGGAGACGCATACTGACCACTCGAGGTGTGAGCAGGGCGGGGAG[GA>G]AGTGGGACACGTAGTAAGGCCTCCTGAATATGCTGCAACACAGAGAAGCAGACAGTGCAT-3'